The following is an entry in ClinVar:

ClinVar aggregate classification (germline): Conflicting classifications of pathogenicity. Review status: criteria provided, conflicting classifications (1 of 4 stars). 3 submissions from 3 submitters: Uncertain significance (2); Likely benign (1). Last evaluated 2024-12-13.

Conditions:
Inborn genetic diseases. Identifiers: MedGen C0950123, MeSH D030342.

Allele frequency attached by ClinVar (database versions not stated): gnomAD exomes 0.00004 and 0.00006; ExAC 0.00005; gnomAD 0.00007 and 0.00008; ESP Exome Variant Server 0.00008; TOPMed 0.00006.
gnomAD v4.1: 76 of 1,614,088 alleles (0.0047%); highest among the groups gnomAD compares: Middle Eastern, 0.016%; no homozygotes.

Submissions (3):

Labcorp Genetics (formerly Invitae), Labcorp
Classification: Likely benign. Last evaluated: 2024-12-13. Review status: criteria provided, single submitter. Criteria: Invitae Variant Classification Sherloc (09022015). Collection method: clinical testing. Allele origin: germline.

GeneDx
Classification: Uncertain significance. Last evaluated: 2024-06-13. Review status: criteria provided, single submitter. Criteria: GeneDx Variant Classification Process June 2021. Collection method: clinical testing. Allele origin: germline.
Comment: In silico analysis indicates that this missense variant does not alter protein structure/function; Has not been previously published as pathogenic or benign to our knowledge

Ambry Genetics
Classification: Uncertain significance for Inborn genetic diseases. Last evaluated: 2021-08-09. Review status: criteria provided, single submitter. Criteria: Ambry Variant Classification Scheme 2023. Collection method: clinical testing. Allele origin: germline.

NM_016580.4(PCDH12):c.2534C>T (p.Thr845Met)

Genes: PCDH12 (protocadherin 12; minus strand), RNF14 (ring finger protein 14; plus strand). Cytogenetic location: 5q31.3.
Variant type: single nucleotide variant.
Coding change: c.2534C>T on transcript NM_016580.4 (MANE Select); coding-DNA position 2534, C replaced by T.
Protein change: p.Thr845Met; replaces threonine 845 with methionine.
Molecular consequence: missense variant.
Genome position (GRCh38, 1-based): chr5:141,955,318, G>A on the plus strand (C>T on the coding strand, the complement: PCDH12 is on the minus strand). VCF-style: chr5-141955318-G-A. GRCh37 (hg19) VCF-style: chr5-141334883-G-A.
Other names: c.2534C>T (NM_016580.2); short protein forms T845M.
Identifiers: ClinVar variation 1686681 (VCV001686681.11), dbSNP rs368872362, ClinGen allele CA3484196.